The following is an entry in ClinVar:

ClinVar aggregate classification (germline): Uncertain significance (1 of 4 stars; one submission).

Submission:

Ambry Genetics
Classification: Uncertain significance. Last evaluated: 2025-05-31. Review status: criteria provided, single submitter. Criteria: Ambry Variant Classification Scheme 2023. Collection method: clinical testing. Allele origin: germline.
Comment: The p.L365F variant (also known as c.1095G>T), located in coding exon 8 of the RINT1 gene, results from a G to T substitution at nucleotide position 1095. The leucine at codon 365 is replaced by phenylalanine, an amino acid with highly similar properties. This amino acid position is conserved. In addition, this alteration is predicted to be tolerated by in silico analysis. Based on the available evidence, the clinical significance of this variant remains unclear.

NM_021930.6(RINT1):c.1095G>T (p.Leu365Phe)

Gene: RINT1 (RAD50 interactor 1; plus strand). Cytogenetic location: 7q22.3.
Variant type: single nucleotide variant.
Coding change: c.1095G>T on transcript NM_021930.6 (MANE Select); coding-DNA position 1095, G replaced by T.
Protein change: p.Leu365Phe; replaces leucine 365 with phenylalanine.
Molecular consequence: missense variant. On other transcripts: non-coding transcript variant (1).
Genome position (GRCh38, 1-based): chr7:105,550,153, G>T. VCF-style: chr7-105550153-G-T. GRCh37 (hg19) VCF-style: chr7-105190600-G-T.
Other names: c.861G>T, p.Leu287Phe (NM_001346599.2); c.72G>T, p.Leu24Phe (NM_001346600.2, NM_001346603.2); c.171G>T, p.Leu57Phe (NM_001346601.2); short protein forms L24F, L287F, L57F, L365F.
Identifiers: ClinVar variation 3946013 (VCV003946013.1).